The following is an entry in ClinVar:

NM_000257.4(MYH7):c.1268C>T (p.Ala423Val)

Gene: MYH7 (myosin heavy chain 7; minus strand). Cytogenetic location: 14q11.2.
Variant type: single nucleotide variant.
Coding change: c.1268C>T on transcript NM_000257.4 (MANE Select); coding-DNA position 1268, C replaced by T.
Protein change: p.Ala423Val; replaces alanine 423 with valine.
Molecular consequence: missense variant.
Genome position (GRCh38, 1-based): chr14:23,429,094, G>A on the plus strand (C>T on the coding strand, the complement: MYH7 is on the minus strand). VCF-style: chr14-23429094-G-A. GRCh37 (hg19) VCF-style: chr14-23898303-G-A.
Other names: short protein forms A423V.
Identifiers: ClinVar variation 1407760 (VCV001407760.10), dbSNP rs1177694963, ClinGen allele CA389050980.

ClinVar aggregate classification (germline): Uncertain significance. Review status: criteria provided, multiple submitters, no conflicts (2 of 4 stars). 2 submissions from 2 submitters: Uncertain significance (2). Last evaluated 2022-03-08.

Conditions:
Cardiovascular phenotype. Identifiers: MedGen CN230736.
Hypertrophic cardiomyopathy. Also called: HYPERTROPHIC MYOCARDIOPATHY. Identifiers: Orphanet 217569, MedGen C0007194, MeSH D002312, MONDO:0005045, HP:0001639.

Submissions (2):

Labcorp Genetics (formerly Invitae), Labcorp
Classification: Uncertain significance for Hypertrophic cardiomyopathy. Last evaluated: 2022-03-08. Review status: criteria provided, single submitter. Criteria: Invitae Variant Classification Sherloc (09022015). Collection method: clinical testing. Allele origin: germline.
Comment: This sequence change replaces alanine, which is neutral and non-polar, with valine, which is neutral and non-polar, at codon 423 of the MYH7 protein (p.Ala423Val). This variant is not present in population databases (gnomAD no frequency). This missense change has been observed in individual(s) with hypertrophic cardiomyopathy (PMID: 27532257). Algorithms developed to predict the effect of missense changes on protein structure and function are either unavailable or do not agree on the potential impact of this missense change (SIFT: "Deleterious"; PolyPhen-2: "Possibly Damaging"; Align-GVGD: "Class C0"). This variant is found within a region of MYH7 between codons 181 and 937 that contains the majority of the myosin head domain. Missense variants in this region have been shown to be significantly overrepresented in individuals with hypertrophic cardiomyopathy (PMID: 27532257). In summary, the available evidence is currently insufficient to determine the role of this variant in disease. Therefore, it has been classified as a Variant of Uncertain Significance.

Ambry Genetics
Classification: Uncertain significance for Cardiovascular phenotype. Last evaluated: 2021-11-09. Review status: criteria provided, single submitter. Criteria: Ambry Variant Classification Scheme 2023. Collection method: clinical testing. Allele origin: germline.
Comment: The p.A423V variant (also known as c.1268C>T), located in coding exon 12 of the MYH7 gene, results from a C to T substitution at nucleotide position 1268. The alanine at codon 423 is replaced by valine, an amino acid with similar properties. This alteration is located in the myosin head domain, which contains a statistically significant clustering of pathogenic missense variants (Homburger JR et al. Proc Natl Acad Sci U S A, 2016 06;113:6701-6; Walsh R et al. Genet Med, 2017 02;19:192-203; Ambry internal data). This alteration has been reported in a hypertrophic cardiomyopathy clinical genetic testing cohort; however, clinical details were limited (Walsh R et al. Genet. Med., 2017 02;19:192-203). This amino acid position is well conserved in available vertebrate species. In addition, the in silico prediction for this alteration is inconclusive. Since supporting evidence is limited at this time, the clinical significance of this alteration remains unclear.

Literature cited by the submitters: PubMed 27532257 (cited by Labcorp Genetics (formerly Invitae), Labcorp and Ambry Genetics).